The following is an entry in ClinVar:

ClinVar aggregate classification (germline): Uncertain significance. Review status: criteria provided, multiple submitters, no conflicts (2 of 4 stars). 5 submissions from 5 submitters: Uncertain significance (5). Last evaluated 2025-08-06.

Conditions:
EIF2B3-related disorder. Also called: EIF2B3-related condition.
Inborn genetic diseases. Identifiers: MedGen C0950123, MeSH D030342.

Allele frequency attached by ClinVar (database versions not stated): ESP Exome Variant Server 0.00015; gnomAD exomes 0.00025 and 0.00044; TOPMed 0.00025; ExAC 0.00027; gnomAD 0.00029 and 0.00034.
gnomAD v4.1: 676 of 1,613,918 alleles (0.042%); highest among the groups gnomAD compares: Non-Finnish European, 0.051%; no homozygotes.

Submissions (5):

GeneDx
Classification: Uncertain significance. Last evaluated: 2025-08-06. Review status: criteria provided, single submitter. Criteria: GeneDx Variant Classification Process June 2021. Collection method: clinical testing. Allele origin: germline. Affected: yes.
Comment: In silico analysis suggests that this missense variant does not alter protein structure/function; Has not been previously published as pathogenic or benign to our knowledge

PreventionGenetics, part of Exact Sciences
Classification: Uncertain significance for EIF2B3-related condition. Last evaluated: 2025-05-13. Review status: criteria provided, single submitter. Criteria: ACMG Guidelines, 2015. Collection method: clinical testing. Allele origin: germline.
Comment: The EIF2B3 c.979C>T variant is predicted to result in the amino acid substitution p.Pro327Ser. To our knowledge, this variant has not been reported in the literature. This variant is reported in 0.068% of alleles in individuals of European (Finnish) descent in gnomAD. At this time, the clinical significance of this variant is uncertain due to the absence of conclusive functional and genetic evidence.

Women's Health and Genetics/Laboratory Corporation of America, LabCorp
Classification: Uncertain significance. Last evaluated: 2022-05-03. Review status: criteria provided, single submitter. Criteria: LabCorp Variant Classification Summary - May 2015. Collection method: clinical testing. Allele origin: germline.

Labcorp Genetics (formerly Invitae), Labcorp
Classification: Uncertain significance. Last evaluated: 2022-04-24. Review status: criteria provided, single submitter. Criteria: Invitae Variant Classification Sherloc (09022015). Collection method: clinical testing. Allele origin: germline.
Comment: This sequence change replaces proline, which is neutral and non-polar, with serine, which is neutral and polar, at codon 327 of the EIF2B3 protein (p.Pro327Ser). This variant is present in population databases (rs146286158, gnomAD 0.08%). This variant has not been reported in the literature in individuals affected with EIF2B3-related conditions. Algorithms developed to predict the effect of missense changes on protein structure and function output the following: SIFT: "Tolerated"; PolyPhen-2: "Benign"; Align-GVGD: "Class C0". The serine amino acid residue is found in multiple mammalian species, which suggests that this missense change does not adversely affect protein function. In summary, the available evidence is currently insufficient to determine the role of this variant in disease. Therefore, it has been classified as a Variant of Uncertain Significance.

Ambry Genetics
Classification: Uncertain significance for Inborn genetic diseases. Last evaluated: 2021-06-15. Review status: criteria provided, single submitter. Criteria: Ambry Variant Classification Scheme 2023. Collection method: clinical testing. Allele origin: germline.

NM_020365.5(EIF2B3):c.979C>T (p.Pro327Ser)

Gene: EIF2B3 (eukaryotic translation initiation factor 2B subunit gamma; minus strand). Cytogenetic location: 1p34.1.
Variant type: single nucleotide variant.
Coding change: c.979C>T on transcript NM_020365.5 (MANE Select); coding-DNA position 979, C replaced by T.
Protein change: p.Pro327Ser; replaces proline 327 with serine.
Molecular consequence: missense variant.
Genome position (GRCh38, 1-based): chr1:44,875,692, G>A on the plus strand (C>T on the coding strand, the complement: EIF2B3 is on the minus strand). VCF-style: chr1-44875692-G-A. GRCh37 (hg19) VCF-style: chr1-45341364-G-A.
Other names: c.979C>T, p.Pro327Ser (NM_001166588.3, NM_001261418.2); c.979C>T (NM_020365.3); short protein forms P327S.
Identifiers: ClinVar variation 1696368 (VCV001696368.6), dbSNP rs146286158, ClinGen allele CA823862.